The following is an entry in ClinVar:

ClinVar aggregate classification (germline): Conflicting classifications of pathogenicity. Review status: criteria provided, conflicting classifications (1 of 4 stars). 3 submissions from 3 submitters: Uncertain significance (2); Likely benign (1). Last evaluated 2024-10-04.

Conditions:
Cardiac arrhythmia, ankyrin-B-related. Also called: ANKYRIN-B SYNDROME. Identifiers: Orphanet 101016, Orphanet 768, MedGen C1970119, MONDO:0010958, OMIM 600919.
Long QT syndrome (LQTS). Identifiers: MedGen C0023976, MeSH D008133, MONDO:0002442. Disease mechanism: loss of function. Inheritance: Various modes of inheritance.

Allele frequency attached by ClinVar (database versions not stated): 1000 Genomes Project 30x 0.00031; 1000 Genomes Project 0.00040.
gnomAD v4.1: 61 of 1,614,076 alleles (0.0038%); highest among the groups gnomAD compares: South Asian, 0.06%; no homozygotes.

Submissions (3):

Blueprint Genetics
Classification: Likely benign. Last evaluated: 2024-10-04. Review status: criteria provided, single submitter. Criteria: ACMG Guidelines, 2015. Collection method: clinical testing. Allele origin: germline.

Labcorp Genetics (formerly Invitae), Labcorp
Classification: Uncertain significance for Long QT syndrome. Last evaluated: 2022-03-08. Review status: criteria provided, single submitter. Criteria: Invitae Variant Classification Sherloc (09022015). Collection method: clinical testing. Allele origin: germline.
Comment: In summary, the available evidence is currently insufficient to determine the role of this variant in disease. Therefore, it has been classified as a Variant of Uncertain Significance. Algorithms developed to predict the effect of missense changes on protein structure and function are either unavailable or do not agree on the potential impact of this missense change (SIFT: "Deleterious"; PolyPhen-2: "Possibly Damaging"; Align-GVGD: "Class C0"). This variant has not been reported in the literature in individuals affected with ANK2-related conditions. This variant is present in population databases (rs146085234, gnomAD 0.06%), and has an allele count higher than expected for a pathogenic variant. This sequence change replaces serine, which is neutral and polar, with arginine, which is basic and polar, at codon 2657 of the ANK2 protein (p.Ser2657Arg).

Fulgent Genetics
Classification: Uncertain significance for Cardiac arrhythmia, ankyrin-B-related. Last evaluated: 2021-08-12. Review status: criteria provided, single submitter. Criteria: ACMG Guidelines, 2015. Collection method: clinical testing. Allele origin: unknown.

NM_001148.6(ANK2):c.7971C>G (p.Ser2657Arg)

Genes: ANK2 (ankyrin 2; plus strand), LOC126807137 (CDK7 strongly-dependent group 2 enhancer GRCh37_chr4:114276560-114277759; plus strand). Cytogenetic location: 4q26.
Variant type: single nucleotide variant.
Coding change: c.7971C>G on transcript NM_001148.6 (MANE Select); coding-DNA position 7971, C replaced by G.
Protein change: p.Ser2657Arg; replaces serine 2657 with arginine.
Molecular consequence: missense variant. On other transcripts: intron variant (68).
Genome position (GRCh38, 1-based): chr4:113,356,589, C>G. VCF-style: chr4-113356589-C-G. GRCh37 (hg19) VCF-style: chr4-114277745-C-G.
Other names: c.7737C>G, p.Ser2579Arg (NM_001386142.1); c.4371C>G, p.Ser1457Arg (NM_001386166.1); c.8112C>G, p.Ser2704Arg (NM_001386174.1); c.8088C>G, p.Ser2696Arg (NM_001386175.1); c.4412-4234C>G (NM_001386186.2, NM_001386148.2); c.4214-4234C>G (NM_001354269.3); c.4292-4234C>G (NM_001386187.2); c.4253-4234C>G (NM_001386147.1); and 35 more; short protein forms S2657R, S2696R, S2704R, S1457R, S2579R.
Identifiers: ClinVar variation 1468820 (VCV001468820.10), dbSNP rs146085234, ClinGen allele CA3051691.